The following is an entry in ClinVar:

ClinVar aggregate classification (germline): Uncertain significance (1 of 4 stars; one submission).

Conditions:
Early-infantile DEE. Also called: Early infantile epileptic encephalopathy; Ohtahara syndrome; Early infantile epileptic encephalopathy with suppression bursts. Identifiers: Orphanet 1934, MedGen C0393706, MONDO:0800491.

Submission:

Labcorp Genetics (formerly Invitae), Labcorp
Classification: Uncertain significance for Early-infantile DEE. Last evaluated: 2022-05-04. Review status: criteria provided, single submitter. Criteria: Invitae Variant Classification Sherloc (09022015). Collection method: clinical testing. Allele origin: germline.
Comment: This variant is not present in population databases (gnomAD no frequency). This sequence change replaces lysine, which is basic and polar, with arginine, which is basic and polar, at codon 482 of the KCNQ2 protein (p.Lys482Arg). In summary, the available evidence is currently insufficient to determine the role of this variant in disease. Therefore, it has been classified as a Variant of Uncertain Significance. Advanced modeling of protein sequence and biophysical properties (such as structural, functional, and spatial information, amino acid conservation, physicochemical variation, residue mobility, and thermodynamic stability) performed at Invitae indicates that this missense variant is expected to disrupt KCNQ2 protein function. This variant has not been reported in the literature in individuals affected with KCNQ2-related conditions.

NM_172107.4(KCNQ2):c.1445A>G (p.Lys482Arg)

Gene: KCNQ2 (potassium voltage-gated channel subfamily Q member 2; minus strand). Cytogenetic location: 20q13.33.
Variant type: single nucleotide variant.
Coding change: c.1445A>G on transcript NM_172107.4 (MANE Select); coding-DNA position 1445, A replaced by G.
Protein change: p.Lys482Arg; replaces lysine 482 with arginine.
Molecular consequence: missense variant.
Genome position (GRCh38, 1-based): chr20:63,414,983, T>C on the plus strand (A>G on the coding strand, the complement: KCNQ2 is on the minus strand). VCF-style: chr20-63414983-T-C. GRCh37 (hg19) VCF-style: chr20-62046336-T-C.
Other names: c.1391A>G, p.Lys464Arg (NM_001382235.1, NM_172106.3); c.1361A>G, p.Lys454Arg (NM_004518.6); c.1355A>G, p.Lys452Arg (NM_172108.5); short protein forms K454R, K482R, K452R, K464R.
Identifiers: ClinVar variation 2133335 (VCV002133335.4), dbSNP rs2516186734, ClinGen allele CA409646479.
Genomic context (GRCh38, chr20:63,414,983, plus strand): 5'-GCGGCACCCTTGATGCGGAAAGCCTGGCGTGCCCGGCTGCGGTCCCCGAAGCTCCAGCTC[T>C]TGGGCACCTTGCTGGGGCTGTCCTCGAGGCTCTGGTCGGCGCTGGGTGACCGCCTCACAG-3'
Protein context (NP_742105.1, residues 472-492): SLEDSPSKVP[Lys482Arg]SWSFGDRSRA